The following is an entry in ClinVar:

ClinVar aggregate classification (germline): Uncertain significance. Review status: criteria provided, multiple submitters, no conflicts (2 of 4 stars). 2 submissions from 2 submitters: Uncertain significance (2). Last evaluated 2025-04-28.

Conditions:
Dyskeratosis congenita, autosomal recessive 5 (DKCB5). Identifiers: MedGen C3554656, MONDO:0014076, OMIM 615190.
Pulmonary fibrosis and/or bone marrow failure, Telomere-related, 3. Also called: PULMONARY FIBROSIS AND/OR BONE MARROW FAILURE SYNDROME, TELOMERE-RELATED, 3. Identifiers: Orphanet 2032, MedGen C4225346, MONDO:0014613, OMIM 616373.
Inborn genetic diseases. Identifiers: MedGen C0950123, MeSH D030342.

Submissions (2):

Ambry Genetics
Classification: Uncertain significance for Inborn genetic diseases. Last evaluated: 2025-04-28. Review status: criteria provided, single submitter. Criteria: Ambry Variant Classification Scheme 2023. Collection method: clinical testing. Allele origin: germline.
Comment: The p.E941A variant (also known as c.2822A>C), located in coding exon 28 of the RTEL1 gene, results from an A to C substitution at nucleotide position 2822. The glutamic acid at codon 941 is replaced by alanine, an amino acid with dissimilar properties. This amino acid position is conserved. In addition, this alteration is predicted to be tolerated by in silico analysis. Based on the available evidence, the clinical significance of this variant remains unclear.

Labcorp Genetics (formerly Invitae), Labcorp
Classification: Uncertain significance for Dyskeratosis congenita, autosomal recessive 5; Pulmonary fibrosis and/or bone marrow failure, Telomere-related, 3. Last evaluated: 2022-09-15. Review status: criteria provided, single submitter. Criteria: Invitae Variant Classification Sherloc (09022015). Collection method: clinical testing. Allele origin: germline.
Comment: This sequence change replaces glutamic acid, which is acidic and polar, with alanine, which is neutral and non-polar, at codon 941 of the RTEL1 protein (p.Glu941Ala). This variant is not present in population databases (gnomAD no frequency). This variant has not been reported in the literature in individuals affected with RTEL1-related conditions. Algorithms developed to predict the effect of missense changes on protein structure and function are either unavailable or do not agree on the potential impact of this missense change (SIFT: "Tolerated"; PolyPhen-2: "Possibly Damaging"; Align-GVGD: "Class C0"). In summary, the available evidence is currently insufficient to determine the role of this variant in disease. Therefore, it has been classified as a Variant of Uncertain Significance.

NM_001283009.2(RTEL1):c.2822A>C (p.Glu941Ala)

Genes: RTEL1 (regulator of telomere elongation helicase 1; plus strand), RTEL1-TNFRSF6B (RTEL1-TNFRSF6B readthrough (NMD candidate); plus strand). Cytogenetic location: 20q13.33.
Variant type: single nucleotide variant.
Coding change: c.2822A>C on transcript NM_001283009.2 (MANE Select); coding-DNA position 2822, A replaced by C.
Protein change: p.Glu941Ala; replaces glutamic acid 941 with alanine.
Molecular consequence: missense variant. On other transcripts: non-coding transcript variant (1).
Genome position (GRCh38, 1-based): chr20:63,692,974, A>C. VCF-style: chr20-63692974-A-C. GRCh37 (hg19) VCF-style: chr20-62324327-A-C.
Other names: c.2153A>C, p.Glu718Ala (NM_001283010.1); c.2822A>C, p.Glu941Ala (NM_016434.4); c.2894A>C, p.Glu965Ala (NM_032957.5); short protein forms E718A, E941A, E965A.
Identifiers: ClinVar variation 2173248 (VCV002173248.2), dbSNP rs1328351729, ClinGen allele CA409683099.